The following is an entry in ClinVar:

ClinVar aggregate classification (germline): Uncertain significance (1 of 4 stars; one submission).

Conditions:
Hereditary cancer-predisposing syndrome. Also called: Tumor predisposition; Neoplastic Syndromes, Hereditary; Hereditary Cancer Syndrome; Hereditary neoplastic syndrome. Identifiers: Orphanet 140162, MedGen C0027672, MeSH D009386, MONDO:0015356.

Allele frequency attached by ClinVar (database versions not stated): gnomAD exomes below 0.00001.
gnomAD v4.1: 1 of 1,611,662 alleles (0.000062%); highest among the groups gnomAD compares: Non-Finnish European, 0.000085%; no homozygotes.

Submission:

Color Diagnostics, LLC DBA Color Health
Classification: Uncertain significance for Hereditary cancer-predisposing syndrome. Last evaluated: 2022-09-06. Review status: criteria provided, single submitter. Criteria: ACMG Guidelines, 2015. Collection method: clinical testing. Allele origin: germline.
Comment: This variant causes a T to G nucleotide substitution at the -7 position of intron 52 of the ATM gene. Splice site prediction tools are inconclusive regarding the impact of this variant on RNA splicing. To our knowledge, functional studies have not been reported for this variant. This variant has not been reported in individuals affected with hereditary cancer in the literature. This variant has not been identified in the general population by the Genome Aggregation Database (gnomAD). The available evidence is insufficient to determine the role of this variant in disease conclusively. Therefore, this variant is classified as a Variant of Uncertain Significance.

NM_000051.4(ATM):c.7789-7T>G

Genes: ATM (ATM serine/threonine kinase; plus strand), C11orf65 (chromosome 11 open reading frame 65; minus strand). Cytogenetic location: 11q22.3.
Variant type: single nucleotide variant.
Coding change: c.7789-7T>G on transcript NM_000051.4 (MANE Select); 7 bases into the intron before coding-DNA position 7789, T replaced by G.
Molecular consequence: intron variant.
Genome position (GRCh38, 1-based): chr11:108,332,755, T>G. VCF-style: chr11-108332755-T-G. GRCh37 (hg19) VCF-style: chr11-108203482-T-G.
Other names: c.7789-7T>G (NM_001351834.2); c.641-23684A>C (NM_001330368.2); c.*38+2465A>C (NM_001351110.2).
Identifiers: ClinVar variation 2774718 (VCV002774718.1), dbSNP rs2136559498, ClinGen allele CA2615862264.